The following is an entry in ClinVar:

NM_002528.7(NTHL1):c.532G>T (p.Val178Leu)

Gene: NTHL1 (nth like DNA glycosylase 1; minus strand). Cytogenetic location: 16p13.3.
Variant type: single nucleotide variant.
Coding change: c.532G>T on transcript NM_002528.7 (MANE Select); coding-DNA position 532, G replaced by T.
Protein change: p.Val178Leu; replaces valine 178 with leucine.
Molecular consequence: missense variant.
Genome position (GRCh38, 1-based): chr16:2,043,720, C>A on the plus strand (G>T on the coding strand, the complement: NTHL1 is on the minus strand). VCF-style: chr16-2043720-C-A. GRCh37 (hg19) VCF-style: chr16-2093721-C-A.
Other names: c.361G>T, p.Val121Leu (NM_001318193.2); c.202G>T, p.Val68Leu (NM_001318194.2); c.556G>T (NM_002528.5); short protein forms V178L, V68L, V121L.
Identifiers: ClinVar variation 838631 (VCV000838631.9), dbSNP rs2084301329, ClinGen allele CA394292560.
Genomic context (GRCh38, chr16:2,043,720, plus strand): 5'-CTGGGATGTCCCCACCGTAGTGCTGCTGCAGGATGGCGCTGGTCTGCTTGATGTATTTCA[C>A]CTTGCTCTGAAAGACAGGGGTGGGTTCAGCCTTGGAGGCAAGGGCACAGCCCAACCTGGG-3'
Protein context (NP_002519.2, residues 168-188): IYPVGFWRSK[Val178Leu]KYIKQTSAIL

ClinVar aggregate classification (germline): Uncertain significance. Review status: criteria provided, multiple submitters, no conflicts (2 of 4 stars). 2 submissions from 2 submitters: Uncertain significance (2). Last evaluated 2025-02-08.

Conditions:
Hereditary cancer-predisposing syndrome. Also called: Neoplastic Syndromes, Hereditary; Tumor predisposition; Hereditary neoplastic syndrome; Hereditary Cancer Syndrome. Identifiers: Orphanet 140162, MedGen C0027672, MeSH D009386, MONDO:0015356.

Allele frequency attached by ClinVar (database versions not stated): gnomAD exomes below 0.00001.

Submissions (2):

Ambry Genetics
Classification: Uncertain significance for Hereditary cancer-predisposing syndrome. Last evaluated: 2025-02-08. Review status: criteria provided, single submitter. Criteria: Ambry Variant Classification Scheme 2023. Collection method: clinical testing. Allele origin: germline.
Comment: The p.V186L variant (also known as c.556G>T), located in coding exon 4 of the NTHL1 gene, results from a G to T substitution at nucleotide position 556. The valine at codon 186 is replaced by leucine, an amino acid with highly similar properties. This amino acid position is conserved. In addition, this alteration is predicted to be deleterious by in silico analysis. Based on the available evidence, the clinical significance of this variant remains unclear.

Labcorp Genetics (formerly Invitae), Labcorp
Classification: Uncertain significance. Last evaluated: 2019-02-06. Review status: criteria provided, single submitter. Criteria: Invitae Variant Classification Sherloc (09022015). Collection method: clinical testing. Allele origin: germline.
Comment: In summary, the available evidence is currently insufficient to determine the role of this variant in disease. Therefore, it has been classified as a Variant of Uncertain Significance. Algorithms developed to predict the effect of missense changes on protein structure and function (SIFT, PolyPhen-2, Align-GVGD) all suggest that this variant is likely to be tolerated, but these predictions have not been confirmed by published functional studies and their clinical significance is uncertain. This variant has not been reported in the literature in individuals with NTHL1-related conditions. This variant is not present in population databases (ExAC no frequency). This sequence change replaces valine with leucine at codon 186 of the NTHL1 protein (p.Val186Leu). The valine residue is moderately conserved and there is a small physicochemical difference between valine and leucine.